The following is an entry in ClinVar:

NM_006767.4(LZTR1):c.1489C>G (p.Pro497Ala)

Gene: LZTR1 (leucine zipper like post translational regulator 1; plus strand). Cytogenetic location: 22q11.21.
Variant type: single nucleotide variant.
Coding change: c.1489C>G on transcript NM_006767.4 (MANE Select); coding-DNA position 1489, C replaced by G.
Protein change: p.Pro497Ala; replaces proline 497 with alanine.
Molecular consequence: missense variant.
Genome position (GRCh38, 1-based): chr22:20,994,143, C>G. VCF-style: chr22-20994143-C-G. GRCh37 (hg19) VCF-style: chr22-21348432-C-G.
Other names: c.1489C>G (NM_006767.3); short protein forms P497A.
Identifiers: ClinVar variation 3690712 (VCV003690712.3).
Genomic context (GRCh38, chr22:20,994,143, plus strand): 5'-TGAGCTCCCTTCTCCCCACAGAAGCTGGAGCAGGAGGCCGCCCCAGTTCCCAGGGAGGCC[C>G]CCGGCGTGGCTGCTGGTGGGGCCCGGCCGCCCCTGCTGCACGTGGCCATCCGGGAGGCCG-3'
Protein context (NP_006758.2, residues 487-507): QEAAPVPREA[Pro497Ala]GVAAGGARPP

ClinVar aggregate classification (germline): Conflicting classifications of pathogenicity. Review status: criteria provided, conflicting classifications (1 of 4 stars). 2 submissions from 2 submitters: Uncertain significance (1); Likely benign (1). Last evaluated 2025-07-23.

Conditions:
Hereditary cancer-predisposing syndrome. Also called: Tumor predisposition; Neoplastic Syndromes, Hereditary; Hereditary Cancer Syndrome; Hereditary neoplastic syndrome. Identifiers: Orphanet 140162, MedGen C0027672, MeSH D009386, MONDO:0015356.
Cardiovascular phenotype. Identifiers: MedGen CN230736.

gnomAD v4.1: 3 of 1,593,060 alleles (0.00019%); highest among the groups gnomAD compares: Non-Finnish European, 0.00026%; no homozygotes.

Submissions (2):

Labcorp Genetics (formerly Invitae), Labcorp
Classification: Uncertain significance. Last evaluated: 2025-07-23. Review status: criteria provided, single submitter. Criteria: Invitae Variant Classification Sherloc (09022015). Collection method: clinical testing. Allele origin: germline.
Comment: This sequence change replaces proline, which is neutral and non-polar, with alanine, which is neutral and non-polar, at codon 497 of the LZTR1 protein (p.Pro497Ala). This variant is not present in population databases (gnomAD no frequency). This variant has not been reported in the literature in individuals affected with LZTR1-related conditions. ClinVar contains an entry for this variant (Variation ID: 3690712). Invitae Evidence Modeling of protein sequence and biophysical properties (such as structural, functional, and spatial information, amino acid conservation, physicochemical variation, residue mobility, and thermodynamic stability) indicates that this missense variant is not expected to disrupt LZTR1 protein function with a negative predictive value of 80%. In summary, the available evidence is currently insufficient to determine the role of this variant in disease. Therefore, it has been classified as a Variant of Uncertain Significance.

Ambry Genetics
Classification: Likely benign for Cardiovascular phenotype; Hereditary cancer-predisposing syndrome. Last evaluated: 2025-02-18. Review status: criteria provided, single submitter. Criteria: Ambry Variant Classification Scheme 2023. Collection method: clinical testing. Allele origin: germline.